The following is an entry in ClinVar:

NM_000642.3(AGL):c.2522C>A (p.Ser841Tyr)

Gene: AGL (amylo-alpha-1,6-glucosidase and 4-alpha-glucanotransferase; plus strand). Cytogenetic location: 1p21.2.
Variant type: single nucleotide variant.
Coding change: c.2522C>A on transcript NM_000642.3 (MANE Select); coding-DNA position 2522, C replaced by A.
Protein change: p.Ser841Tyr; replaces serine 841 with tyrosine.
Molecular consequence: missense variant.
Genome position (GRCh38, 1-based): chr1:99,884,427, C>A. VCF-style: chr1-99884427-C-A. GRCh37 (hg19) VCF-style: chr1-100349983-C-A.
Other names: c.2522C>A, p.Ser841Tyr (NM_000028.3, NM_000643.3, NM_000644.3 and 2 more transcripts); c.2474C>A, p.Ser825Tyr (NM_000646.3); c.2321C>A, p.Ser774Tyr (NM_001425327.1); c.2318C>A, p.Ser773Tyr (NM_001425328.1, NM_001425329.1); c.2144C>A, p.Ser715Tyr (NM_001425332.1); short protein forms S841Y, S825Y, S715Y, S773Y, S774Y.
Identifiers: ClinVar variation 391249 (VCV000391249.3), dbSNP rs150441555, ClinGen allele CA966808.

ClinVar aggregate classification (germline): Uncertain significance. Review status: criteria provided, single submitter (1 of 4 stars). 2 submissions from 2 submitters: Uncertain significance (1). 1 of the submissions does not count toward it. Last evaluated 2016-12-13.

Conditions:
Glycogen storage disease type III (GSD3). Also called: FORBES DISEASE; Cori disease. Identifiers: Orphanet 366, MedGen C0017922, MONDO:0009291, OMIM 232400.

Allele frequency attached by ClinVar (database versions not stated): TOPMed 0.00001.
gnomAD v4.1: 2 of 1,612,184 alleles (0.00012%); highest among the groups gnomAD compares: South Asian, 0.0011%; no homozygotes.

Submissions (2):

GeneDx
Classification: Uncertain significance. Last evaluated: 2016-12-13. Review status: criteria provided, single submitter. Criteria: GeneDx Variant Classification (06012015). Collection method: clinical testing. Allele origin: germline. Affected: yes.
Comment: The S841Y variant in the AGL gene has not been reported previously as a pathogenic variant, nor as a benign variant, to our knowledge. The S841Y variant was not observed in approximately 6500 individuals of European and African American ancestry in the NHLBI Exome Sequencing Project, indicating it is not a common benign variant in these populations. The S841Y variant is a semi-conservative amino acid substitution, which may impact secondary protein structure as these residues differ in some properties. This substitution occurs at a position where amino acids with similar properties to Serine are tolerated across species. In silico analysis is inconsistent in its predictions as to whether or not the variant is damaging to the protein structure/function. We interpret S841Y as a variant of uncertain significance.

Natera, Inc.
Classification: Uncertain significance for Glycogen storage disease type III. Last evaluated: 2019-10-28. Review status: no assertion criteria provided. Collection method: clinical testing. Allele origin: germline. Not counted in ClinVar's aggregate classification.